The following is an entry in ClinVar:

NM_004360.5(CDH1):c.1061G>C (p.Gly354Ala)

Gene: CDH1 (cadherin 1; plus strand). Cytogenetic location: 16q22.1.
Variant type: single nucleotide variant.
Coding change: c.1061G>C on transcript NM_004360.5 (MANE Select); coding-DNA position 1061, G replaced by C.
Protein change: p.Gly354Ala; replaces glycine 354 with alanine.
Molecular consequence: missense variant. On other transcripts: 5 prime UTR variant (2).
Genome position (GRCh38, 1-based): chr16:68,812,187, G>C. VCF-style: chr16-68812187-G-C. GRCh37 (hg19) VCF-style: chr16-68846090-G-C.
Other names: c.1061G>C, p.Gly354Ala (NM_001317184.2); c.-555G>C (NM_001317185.2); c.-759G>C (NM_001317186.2); short protein forms G354A.
Identifiers: ClinVar variation 1038976 (VCV001038976.9), dbSNP rs1960856637, ClinGen allele CA396460022.

ClinVar aggregate classification (germline): Uncertain significance (1 of 4 stars; one submission).

Conditions:
Hereditary diffuse gastric adenocarcinoma (HDGC). Also called: DIFFUSE GASTRIC AND LOBULAR BREAST CANCER SYNDROME. Identifiers: Orphanet 26106, MedGen C1708349, MONDO:0007648, OMIM 137215.

Submission:

Labcorp Genetics (formerly Invitae), Labcorp
Classification: Uncertain significance for Hereditary diffuse gastric adenocarcinoma. Last evaluated: 2020-04-21. Review status: criteria provided, single submitter. Criteria: Invitae Variant Classification Sherloc (09022015). Collection method: clinical testing. Allele origin: germline.
Comment: In summary, the available evidence is currently insufficient to determine the role of this variant in disease. Therefore, it has been classified as a Variant of Uncertain Significance. Algorithms developed to predict the effect of missense changes on protein structure and function are either unavailable or do not agree on the potential impact of this missense change (SIFT: "Deleterious"; PolyPhen-2: "Probably Damaging"; Align-GVGD: "Class C0"). This variant has not been reported in the literature in individuals with CDH1-related conditions. This variant is not present in population databases (ExAC no frequency). This sequence change replaces glycine with alanine at codon 354 of the CDH1 protein (p.Gly354Ala). The glycine residue is highly conserved and there is a small physicochemical difference between glycine and alanine.